The following is an entry in ClinVar:

NM_199242.3(UNC13D):c.2381del (p.Leu794fs)

Gene: UNC13D (unc-13 homolog D; minus strand). Cytogenetic location: 17q25.1.
Variant type: Deletion.
Coding change: c.2381del on transcript NM_199242.3 (MANE Select); coding-DNA position 2381, one base deleted (T; older notation c.2381delT).
Protein change: p.Leu794fs; shifts the reading frame from leucine 794.
Molecular consequence: frameshift variant.
Genome position (GRCh38, 1-based): chr17:75,833,032, A deleted on the plus strand (T on the coding strand, the reverse complement: UNC13D is on the minus strand). VCF-style (leftmost placement, unchanged base first): chr17-75833031-CA-C. GRCh37 (hg19) VCF-style: chr17-73829112-CA-C.
Other names: short protein forms L794fs.
Identifiers: ClinVar variation 1323739 (VCV001323739.7), dbSNP rs2064882892, ClinGen allele CA2275705347.

ClinVar aggregate classification (germline): Pathogenic. Review status: criteria provided, multiple submitters, no conflicts (2 of 4 stars). 2 submissions from 2 submitters: Pathogenic (2). Last evaluated 2023-11-13.

Conditions:
Familial hemophagocytic lymphohistiocytosis 3 (FHL3). Also called: UNC13D-Related Familial Hemophagocytic Lymphohistiocytosis (UNC13D-fHLH). Identifiers: Orphanet 540, MedGen C1837174, MONDO:0012146, OMIM 608898.

Allele frequency attached by ClinVar (database versions not stated): gnomAD exomes below 0.00001.

Submissions (2):

Labcorp Genetics (formerly Invitae), Labcorp
Classification: Pathogenic for Familial hemophagocytic lymphohistiocytosis 3. Last evaluated: 2023-11-13. Review status: criteria provided, single submitter. Criteria: Invitae Variant Classification Sherloc (09022015). Collection method: clinical testing. Allele origin: germline.
Comment: This sequence change creates a premature translational stop signal (p.Leu794Argfs*2) in the UNC13D gene. It is expected to result in an absent or disrupted protein product. Loss-of-function variants in UNC13D are known to be pathogenic (PMID: 14622600). This variant is not present in population databases (gnomAD no frequency). This premature translational stop signal has been observed in individuals with hemophagocytic lymphohistiocytosis (PMID: 21931115, 27896523). ClinVar contains an entry for this variant (Variation ID: 1323739). For these reasons, this variant has been classified as Pathogenic.

Revvity Omics, Revvity
Classification: Pathogenic for Familial hemophagocytic lymphohistiocytosis 3. Last evaluated: 2019-07-10. Review status: criteria provided, single submitter. Criteria: ACMG Guidelines, 2015. Collection method: clinical testing. Allele origin: germline.

Literature cited by the submitters: PubMed 14622600 (cited by Labcorp Genetics (formerly Invitae), Labcorp); PubMed 21931115 (cited by Labcorp Genetics (formerly Invitae), Labcorp); PubMed 27896523 (cited by Labcorp Genetics (formerly Invitae), Labcorp).